The following is an entry in ClinVar:

ClinVar aggregate classification (germline): Uncertain significance (1 of 4 stars; one submission).

gnomAD v4.1: 1 of 1,079,936 alleles (0.000093%); highest among the groups gnomAD compares: Non-Finnish European, 0.00012%; no homozygotes.

Submission:

Labcorp Genetics (formerly Invitae), Labcorp
Classification: Uncertain significance. Last evaluated: 2025-10-21. Review status: criteria provided, single submitter. Criteria: Invitae Variant Classification Sherloc (09022015). Collection method: clinical testing. Allele origin: germline.
Comment: This sequence change replaces aspartic acid, which is acidic and polar, with glutamic acid, which is acidic and polar, at codon 107 of the AVP protein (p.Asp107Glu). This variant is not present in population databases (gnomAD no frequency). This variant has not been reported in the literature in individuals affected with AVP-related conditions. ClinVar contains an entry for this variant (Variation ID: 2006066). An algorithm developed to predict the effect of missense changes on protein structure and function outputs the following: PolyPhen-2: "Benign". The glutamic acid amino acid residue is found in multiple mammalian species, which suggests that this missense change does not adversely affect protein function. In summary, the available evidence is currently insufficient to determine the role of this variant in disease. Therefore, it has been classified as a Variant of Uncertain Significance.

NM_000490.5(AVP):c.321C>G (p.Asp107Glu)

Gene: AVP (arginine vasopressin; minus strand). Cytogenetic location: 20p13.
Variant type: single nucleotide variant.
Coding change: c.321C>G on transcript NM_000490.5 (MANE Select); coding-DNA position 321, C replaced by G.
Protein change: p.Asp107Glu; replaces aspartic acid 107 with glutamic acid.
Molecular consequence: missense variant.
Genome position (GRCh38, 1-based): chr20:3,082,978, G>C on the plus strand (C>G on the coding strand, the complement: AVP is on the minus strand). VCF-style: chr20-3082978-G-C. GRCh37 (hg19) VCF-style: chr20-3063624-G-C.
Other names: short protein forms D107E.
Identifiers: ClinVar variation 2006066 (VCV002006066.4), dbSNP rs772747008, ClinGen allele CA408061467.